The following is an entry in ClinVar:

ClinVar aggregate classification (germline): Likely pathogenic (1 of 4 stars; one submission).

Submission:

GeneDx
Classification: Likely pathogenic. Last evaluated: 2025-04-02. Review status: criteria provided, single submitter. Criteria: GeneDx Variant Classification Process June 2021. Collection method: clinical testing. Allele origin: germline. Affected: yes.
Comment: RNA studies demonstrate a damaging effect resulting in a destroyed natural splice donor site of intron 9 (PMID: 9475094); In silico analysis supports a deleterious effect on splicing; Not observed at significant frequency in large population cohorts (gnomAD); This variant is associated with the following publications: (PMID: 24742477, 17361230, 9475094, 23515051, 1302008)

NM_024426.6(WT1):c.1447+5G>T

Gene: WT1 (WT1 transcription factor; minus strand). Cytogenetic location: 11p13.
Variant type: single nucleotide variant.
Coding change: c.1447+5G>T on transcript NM_024426.6 (MANE Select); 5 bases into the intron after coding-DNA position 1447, G replaced by T.
Molecular consequence: intron variant.
Genome position (GRCh38, 1-based): chr11:32,391,967, C>A on the plus strand (G>T on the coding strand, the complement: WT1 is on the minus strand). VCF-style: chr11-32391967-C-A. GRCh37 (hg19) VCF-style: chr11-32413513-C-A.
Other names: c.1273+5G>T (NM_001407050.1); c.1315+14G>T (NM_001407047.1); c.1306+5G>T (NM_001407048.1); c.1303+699G>T (NM_001407049.1); c.1387+14G>T (NM_000378.6); c.1396+5G>T (NM_001407045.1); c.1432+14G>T (NM_001407044.1); c.1354+699G>T (NM_001407046.1); and 9 more.
Identifiers: ClinVar variation 4278562 (VCV004278562.1).